The following is an entry in ClinVar:

NM_001367624.2(ZNF469):c.4455C>T (p.Ala1485=)

Gene: ZNF469 (zinc finger protein 469; plus strand). Cytogenetic location: 16q24.2.
Variant type: single nucleotide variant.
Coding change: c.4455C>T on transcript NM_001367624.2 (MANE Select); coding-DNA position 4455, C replaced by T.
Protein change: p.Ala1485=; no amino-acid change (alanine 1485 retained).
Molecular consequence: synonymous variant.
Genome position (GRCh38, 1-based): chr16:88,431,925, C>T. VCF-style: chr16-88431925-C-T. GRCh37 (hg19) VCF-style: chr16-88498333-C-T.
Other names: NM_001127464.1:c.4371C>T; p.Ala1485=.
Identifiers: ClinVar variation 1740096 (VCV001740096.8), dbSNP rs375783673, ClinGen allele CA286376119.

ClinVar aggregate classification (germline): Likely benign. Review status: criteria provided, multiple submitters, no conflicts (2 of 4 stars). 3 submissions from 3 submitters: Likely benign (3). Last evaluated 2025-08-07.

Conditions:
Cardiovascular phenotype. Identifiers: MedGen CN230736.

Allele frequency attached by ClinVar (database versions not stated): gnomAD 0.00003; TOPMed 0.00004; gnomAD exomes 0.00006; ESP Exome Variant Server 0.00022.
gnomAD v4.1: 93 of 1,549,372 alleles (0.006%); highest among the groups gnomAD compares: East Asian, 0.012%; no homozygotes.

Submissions (3):

Mayo Clinic Laboratories, Mayo Clinic
Classification: Likely benign. Last evaluated: 2025-08-07. Review status: criteria provided, single submitter. Criteria: ACMG Guidelines, 2015. Collection method: clinical testing. Allele origin: germline. Observed: 1 variant allele.
Comment: BS1, BP4, BP7

Labcorp Genetics (formerly Invitae), Labcorp
Classification: Likely benign. Last evaluated: 2024-05-29. Review status: criteria provided, single submitter. Criteria: Invitae Variant Classification Sherloc (09022015). Collection method: clinical testing. Allele origin: germline.

Ambry Genetics
Classification: Likely benign for Cardiovascular phenotype. Last evaluated: 2020-09-09. Review status: criteria provided, single submitter. Criteria: Ambry Variant Classification Scheme 2023. Collection method: clinical testing. Allele origin: germline.